The following is an entry in ClinVar:

NM_001042646.3(TRAK1):c.1879G>A (p.Asp627Asn)

Gene: TRAK1 (trafficking kinesin protein 1; plus strand). Cytogenetic location: 3p22.1.
Variant type: single nucleotide variant.
Coding change: c.1879G>A on transcript NM_001042646.3 (MANE Select); coding-DNA position 1879, G replaced by A.
Protein change: p.Asp627Asn; replaces aspartic acid 627 with asparagine.
Molecular consequence: missense variant. On other transcripts: non-coding transcript variant (1).
Genome position (GRCh38, 1-based): chr3:42,209,901, G>A. VCF-style: chr3-42209901-G-A. GRCh37 (hg19) VCF-style: chr3-42251393-G-A.
Other names: c.1879G>A, p.Asp627Asn (NM_001265608.2, NM_001349246.2, NM_001349247.2); c.1657G>A, p.Asp553Asn (NM_001265609.2, NM_001349248.1, NM_001349249.1); c.1567G>A, p.Asp523Asn (NM_001349245.1); c.1705G>A, p.Asp569Asn (NM_001410741.1, NM_014965.5); c.1879G>A (NM_001042646.1); short protein forms D523N, D553N, D569N, D627N.
Identifiers: ClinVar variation 4082845 (VCV004082845.2).

ClinVar aggregate classification (germline): Uncertain significance. Review status: criteria provided, multiple submitters, no conflicts (2 of 4 stars). 2 submissions from 2 submitters: Uncertain significance (2). Last evaluated 2025-08-09.

Conditions:
Inborn genetic diseases. Identifiers: MedGen C0950123, MeSH D030342.

gnomAD v4.1: 53 of 1,614,056 alleles (0.0033%); highest among the groups gnomAD compares: Non-Finnish European, 0.0041%; no homozygotes.

Submissions (2):

Ambry Genetics
Classification: Uncertain significance for Inborn genetic diseases. Last evaluated: 2025-08-09. Review status: criteria provided, single submitter. Criteria: Ambry Variant Classification Scheme 2023. Collection method: clinical testing. Allele origin: germline.

GeneDx
Classification: Uncertain significance. Last evaluated: 2025-03-04. Review status: criteria provided, single submitter. Criteria: GeneDx Variant Classification Process June 2021. Collection method: clinical testing. Allele origin: germline. Affected: yes.
Comment: In silico analysis supports that this missense variant has a deleterious effect on protein structure/function; Has not been previously published as pathogenic or benign to our knowledge